The following is an entry in ClinVar:

NM_001999.4(FBN2):c.2257C>T (p.His753Tyr)

Gene: FBN2 (fibrillin 2; minus strand). Cytogenetic location: 5q23.3.
Variant type: single nucleotide variant.
Coding change: c.2257C>T on transcript NM_001999.4 (MANE Select); coding-DNA position 2257, C replaced by T.
Protein change: p.His753Tyr; replaces histidine 753 with tyrosine.
Molecular consequence: missense variant.
Genome position (GRCh38, 1-based): chr5:128,366,422, G>A on the plus strand (C>T on the coding strand, the complement: FBN2 is on the minus strand). VCF-style: chr5-128366422-G-A. GRCh37 (hg19) VCF-style: chr5-127702115-G-A.
Other names: short protein forms H753Y.
Identifiers: ClinVar variation 1788538 (VCV001788538.2), dbSNP rs1327195986, ClinGen allele CA360768593.

ClinVar aggregate classification (germline): Uncertain significance (1 of 4 stars; one submission).

Conditions:
Familial thoracic aortic aneurysm and aortic dissection (TAAD). Also called: Thoracic aortic aneurysms and dissections. Identifiers: Orphanet 91387, MedGen C4707243, MONDO:0019625.

Submission:

Ambry Genetics
Classification: Uncertain significance for Familial thoracic aortic aneurysm and aortic dissection. Last evaluated: 2019-12-30. Review status: criteria provided, single submitter. Criteria: Ambry Variant Classification Scheme 2023. Collection method: clinical testing. Allele origin: germline.
Comment: The p.H753Y variant (also known as c.2257C>T), located in coding exon 17 of the FBN2 gene, results from a C to T substitution at nucleotide position 2257. The histidine at codon 753 is replaced by tyrosine, an amino acid with similar properties. This amino acid position is not well conserved in available vertebrate species. In addition, the in silico prediction for this alteration is inconclusive. Since supporting evidence is limited at this time, the clinical significance of this alteration remains unclear.